The following is an entry in ClinVar:

ClinVar aggregate classification (germline): Pathogenic (1 of 4 stars; one submission).

Conditions:
Ehlers-Danlos syndrome, classic type, 1 (EDSCL1). Also called: EHLERS-DANLOS SYNDROME, GRAVIS TYPE; EHLERS-DANLOS SYNDROME, SEVERE CLASSIC TYPE; Ehlers-Danlos syndrome, type 1; Ehlers-Danlos Syndrome, Classic Type, COL5A1-Related; EDS I. Identifiers: MedGen C0268335, MONDO:0019567, OMIM 130000.

Submission:

Labcorp Genetics (formerly Invitae), Labcorp
Classification: Pathogenic for Ehlers-Danlos syndrome, classic type, 1. Last evaluated: 2020-11-29. Review status: criteria provided, single submitter. Criteria: Invitae Variant Classification Sherloc (09022015). Collection method: clinical testing. Allele origin: germline.
Comment: This variant is not present in population databases (ExAC no frequency). This sequence change creates a premature translational stop signal (p.Glu215*) in the COL5A1 gene. It is expected to result in an absent or disrupted protein product. Loss-of-function variants in COL5A1 are known to be pathogenic (PMID: 23587214). For these reasons, this variant has been classified as Pathogenic. Algorithms developed to predict the effect of sequence changes on RNA splicing suggest that this variant may create or strengthen a splice site, but this prediction has not been confirmed by published transcriptional studies. This variant has not been reported in the literature in individuals with COL5A1-related conditions.

Literature cited by the submitters: PubMed 23587214.

NM_000093.5(COL5A1):c.643G>T (p.Glu215Ter)

Gene: COL5A1 (collagen type V alpha 1 chain; plus strand). Cytogenetic location: 9q34.3.
Variant type: single nucleotide variant.
Coding change: c.643G>T on transcript NM_000093.5 (MANE Select); coding-DNA position 643, G replaced by T.
Protein change: p.Glu215Ter; replaces glutamic acid 215 with a stop codon.
Molecular consequence: nonsense.
Genome position (GRCh38, 1-based): chr9:134,701,322, G>T. VCF-style: chr9-134701322-G-T. GRCh37 (hg19) VCF-style: chr9-137593168-G-T.
Other names: c.643G>T, p.Glu215Ter (NM_001278074.1); short protein forms E215*.
Identifiers: ClinVar variation 1458258 (VCV001458258.6), dbSNP rs2132573338, ClinGen allele CA375443531.
Genomic context (GRCh38, chr9:134,701,322, plus strand): 5'-GACCACCCCATGATCGACATCAATGGCATCATCGTGTTTGGCACCCGGATCCTGGATGAG[G>T]AGGTGTTTGAGGTGAGCAGGAGGGCAGACCAACCCCTGTGCCCACCAGGGCACTCCTCCT-3'